The following is an entry in ClinVar:

NM_001171.6(ABCC6):c.1353C>T (p.Ser451=)

Gene: ABCC6 (ATP binding cassette subfamily C member 6; minus strand). Cytogenetic location: 16p13.11.
Variant type: single nucleotide variant.
Coding change: c.1353C>T on transcript NM_001171.6 (MANE Select); coding-DNA position 1353, C replaced by T.
Protein change: p.Ser451=; no amino-acid change (serine 451 retained).
Molecular consequence: synonymous variant. On other transcripts: non-coding transcript variant (1).
Genome position (GRCh38, 1-based): chr16:16,192,908, G>A on the plus strand (C>T on the coding strand, the complement: ABCC6 is on the minus strand). VCF-style: chr16-16192908-G-A. GRCh37 (hg19) VCF-style: chr16-16286765-G-A.
Other names: c.1011C>T, p.Ser337= (NM_001351800.1).
Identifiers: ClinVar variation 1169819 (VCV001169819.27), dbSNP rs57546826, ClinGen allele CA7926330.
Genomic context (GRCh38, chr16:16,192,908, plus strand): 5'-CTTGGAGATGAAGAAATTCAGAGGGAGGAGGCTCAGGAAGACAGCGATGGCAGTGAGGGC[G>A]GAGGGCCCCAGGAGCTGGGGATAGAAGGGGCAGGATGTCAGGAGATCCCGAGGAGCCCAG-3'
Protein context (NP_001162.5, residues 441-461): FVYLWQLLGP[Ser451=]ALTAIAVFLS

ClinVar aggregate classification (germline): Benign/Likely benign. Review status: criteria provided, multiple submitters, no conflicts (2 of 4 stars). 4 submissions from 4 submitters: Benign (1); Likely benign (3). Last evaluated 2026-07-01.

Conditions:
Autosomal recessive inherited pseudoxanthoma elasticum (PXE). Identifiers: Orphanet 758, MedGen CN032334, MONDO:0009925, OMIM 264800.
Pseudoxanthoma elasticum, forme fruste. Also called: PSEUDOXANTHOMA ELASTICUM, HETEROZYGOUS; Pseudoxanthoma Elasticum, Incomplete. Identifiers: Orphanet 758, MedGen C1867450, MONDO:0008333, OMIM 177850.
Arterial calcification, generalized, of infancy, 2. Identifiers: Orphanet 51608, MedGen C3276161, MONDO:0013768, OMIM 614473.

Allele frequency attached by ClinVar (database versions not stated): gnomAD exomes 0.00015 and 0.00025; ExAC 0.00020; 1000 Genomes Project 30x 0.00047; 1000 Genomes Project 0.00060; ESP Exome Variant Server 0.00069; gnomAD 0.00084 and 0.00086; TOPMed 0.00096.
gnomAD v4.1: 354 of 1,614,110 alleles (0.022%); highest among the groups gnomAD compares: African/African-American, 0.31%; 2 homozygotes.

Submissions (4):

CeGaT Center for Human Genetics Tuebingen
Classification: Likely benign. Last evaluated: 2026-07-01. Review status: criteria provided, single submitter. Criteria: CeGaT Center For Human Genetics Tuebingen Variant Classification Criteria Version 2. Collection method: clinical testing. Allele origin: germline. Affected: yes. Observed: 2 variant alleles.
Comment: ABCC6: BP4, BP7

Labcorp Genetics (formerly Invitae), Labcorp
Classification: Benign. Last evaluated: 2026-01-26. Review status: criteria provided, single submitter. Criteria: Invitae Variant Classification Sherloc (09022015). Collection method: clinical testing. Allele origin: germline.

Blueprint Genetics
Classification: Likely benign. Last evaluated: 2024-10-25. Review status: criteria provided, single submitter. Criteria: ACMG Guidelines, 2015. Collection method: clinical testing. Allele origin: germline.

Fulgent Genetics
Classification: Likely benign for Pseudoxanthoma elasticum, forme fruste; Autosomal recessive inherited pseudoxanthoma elasticum; Arterial calcification, generalized, of infancy, 2. Last evaluated: 2021-07-21. Review status: criteria provided, single submitter. Criteria: ACMG Guidelines, 2015. Collection method: clinical testing. Allele origin: unknown.